The following is an entry in ClinVar:

ClinVar aggregate classification (germline): Pathogenic/Likely pathogenic. Review status: criteria provided, multiple submitters, no conflicts (2 of 4 stars). 2 submissions from 2 submitters: Pathogenic (1); Likely pathogenic (1). Last evaluated 2025-10-07.

Conditions:
Intellectual developmental disorder, autosomal dominant 50, with behavioral abnormalities. Also called: MENTAL RETARDATION, AUTOSOMAL DOMINANT 50; Intellectual disability, autosomal dominant 50. Identifiers: MedGen C4540470, MONDO:0030916, OMIM 617787.

gnomAD v4.1: 1 of 1,543,150 alleles (0.000065%); highest among the groups gnomAD compares: African/African-American, 0.0014%; no homozygotes.

Submissions (2):

3billion
Classification: Likely pathogenic for Intellectual developmental disorder, autosomal dominant 50, with behavioral abnormalities. Last evaluated: 2025-10-07. Review status: criteria provided, single submitter. Criteria: ACMG Guidelines, 2015. Collection method: clinical testing. Allele origin: germline. Affected: yes.
Comment: The variant is observed at an extremely low frequency in the gnomAD v4.1.0 dataset (total allele frequency: <0.001%). Predicted Consequence/Location: Stop-gained (nonsense): predicted to result in a loss or disruption of normal protein function through nonsense-mediated decay (NMD) or protein truncation. Multiple pathogenic variants are reported downstream of the variant. Therefore, this variant is classified as Likely pathogenic according to the recommendation of ACMG/AMP guideline.

GeneDx
Classification: Pathogenic. Last evaluated: 2025-08-08. Review status: criteria provided, single submitter. Criteria: GeneDx Variant Classification Process June 2021. Collection method: clinical testing. Allele origin: germline. Affected: yes.
Comment: Nonsense variant predicted to result in protein truncation or nonsense mediated decay in a gene for which loss of function is a known mechanism of disease; Not observed at significant frequency in large population cohorts (gnomAD); Has not been previously published as pathogenic or benign to our knowledge

NM_057175.5(NAA15):c.249G>A (p.Trp83Ter)

Gene: NAA15 (N-alpha-acetyltransferase 15, NatA auxiliary subunit; plus strand). Cytogenetic location: 4q31.1.
Variant type: single nucleotide variant.
Coding change: c.249G>A on transcript NM_057175.5 (MANE Select); coding-DNA position 249, G replaced by A.
Protein change: p.Trp83Ter; replaces tryptophan 83 with a stop codon.
Molecular consequence: nonsense.
Genome position (GRCh38, 1-based): chr4:139,340,916, G>A. VCF-style: chr4-139340916-G-A. GRCh37 (hg19) VCF-style: chr4-140262070-G-A.
Other names: c.249G>A, p.Trp83Ter (NM_001410842.1); short protein forms W83*.
Identifiers: ClinVar variation 4755718 (VCV004755718.2).